The following is an entry in ClinVar:

ClinVar aggregate classification (germline): Uncertain significance (1 of 4 stars; one submission).

Submission:

Labcorp Genetics (formerly Invitae), Labcorp
Classification: Uncertain significance. Last evaluated: 2022-10-10. Review status: criteria provided, single submitter. Criteria: Invitae Variant Classification Sherloc (09022015). Collection method: clinical testing. Allele origin: germline.
Comment: In summary, the available evidence is currently insufficient to determine the role of this variant in disease. Therefore, it has been classified as a Variant of Uncertain Significance. Algorithms developed to predict the effect of missense changes on protein structure and function (SIFT, PolyPhen-2, Align-GVGD) all suggest that this variant is likely to be tolerated. This variant has not been reported in the literature in individuals affected with CNNM2-related conditions. This variant is not present in population databases (gnomAD no frequency). This sequence change replaces serine, which is neutral and polar, with asparagine, which is neutral and polar, at codon 55 of the CNNM2 protein (p.Ser55Asn).

NM_017649.5(CNNM2):c.164G>A (p.Ser55Asn)

Gene: CNNM2 (cyclin and CBS domain divalent metal cation transport mediator 2; plus strand). Cytogenetic location: 10q24.32.
Variant type: single nucleotide variant.
Coding change: c.164G>A on transcript NM_017649.5 (MANE Select); coding-DNA position 164, G replaced by A.
Protein change: p.Ser55Asn; replaces serine 55 with asparagine.
Molecular consequence: missense variant.
Genome position (GRCh38, 1-based): chr10:102,918,644, G>A. VCF-style: chr10-102918644-G-A. GRCh37 (hg19) VCF-style: chr10-104678401-G-A.
Other names: c.164G>A, p.Ser55Asn (NM_199076.3, NM_199077.3); short protein forms S55N.
Identifiers: ClinVar variation 1952254 (VCV001952254.5), dbSNP rs2493372620, ClinGen allele CA377953935.